The following is an entry in ClinVar:

ClinVar aggregate classification (germline): Uncertain significance. Review status: criteria provided, multiple submitters, no conflicts (2 of 4 stars). 2 submissions from 2 submitters: Uncertain significance (2). Last evaluated 2025-07-30.

Conditions:
Amyotrophic lateral sclerosis type 8 (ALS8). Identifiers: Orphanet 803, MedGen C1837728, MONDO:0012077, OMIM 608627.
Adult-onset proximal spinal muscular atrophy, autosomal dominant. Also called: Spinal muscular atrophy, late-onset, finkel type; FINKEL LATE-ADULT TYPE SMA. Identifiers: Orphanet 209335, MedGen C1854058, MONDO:0008453, OMIM 182980.
Inborn genetic diseases. Identifiers: MedGen C0950123, MeSH D030342.

Allele frequency attached by ClinVar (database versions not stated): TOPMed 0.00003.

Submissions (2):

Labcorp Genetics (formerly Invitae), Labcorp
Classification: Uncertain significance for Adult-onset proximal spinal muscular atrophy, autosomal dominant; Amyotrophic lateral sclerosis type 8. Last evaluated: 2025-07-30. Review status: criteria provided, single submitter. Criteria: Invitae Variant Classification Sherloc (09022015). Collection method: clinical testing. Allele origin: germline.
Comment: This sequence change replaces valine, which is neutral and non-polar, with methionine, which is neutral and non-polar, at codon 153 of the VAPB protein (p.Val153Met). This variant is not present in population databases (gnomAD no frequency). This variant has not been reported in the literature in individuals affected with VAPB-related conditions. ClinVar contains an entry for this variant (Variation ID: 999141). Invitae Evidence Modeling of protein sequence and biophysical properties (such as structural, functional, and spatial information, amino acid conservation, physicochemical variation, residue mobility, and thermodynamic stability) indicates that this missense variant is not expected to disrupt VAPB protein function with a negative predictive value of 80%. In summary, the available evidence is currently insufficient to determine the role of this variant in disease. Therefore, it has been classified as a Variant of Uncertain Significance.

Ambry Genetics
Classification: Uncertain significance for Inborn genetic diseases. Last evaluated: 2025-06-03. Review status: criteria provided, single submitter. Criteria: Ambry Variant Classification Scheme 2023. Collection method: clinical testing. Allele origin: germline.

NM_004738.5(VAPB):c.457G>A (p.Val153Met)

Gene: VAPB (VAMP associated protein B and C; plus strand). Cytogenetic location: 20q13.32.
Variant type: single nucleotide variant.
Coding change: c.457G>A on transcript NM_004738.5 (MANE Select); coding-DNA position 457, G replaced by A.
Protein change: p.Val153Met; replaces valine 153 with methionine.
Molecular consequence: missense variant. On other transcripts: non-coding transcript variant (1), intron variant (1).
Genome position (GRCh38, 1-based): chr20:58,440,967, G>A. VCF-style: chr20-58440967-G-A. GRCh37 (hg19) VCF-style: chr20-57016023-G-A.
Other names: c.212-3110G>A (NM_001195677.2); c.457G>A (NM_004738.4); short protein forms V153M.
Identifiers: ClinVar variation 999141 (VCV000999141.10), dbSNP rs1362788253, ClinGen allele CA409439634.
Genomic context (GRCh38, chr20:58,440,967, plus strand): 5'-CATGATGTAGAAATAAATAAAATTATATCCACAACTGCATCAAAGACAGAAACACCAATA[G>A]TGTCTAAGTCTCTGAGTTCTTCTTTGGATGACACCGAAGTTAAGAAGGTTATGGAAGAAT-3'
Protein context (NP_004729.1, residues 143-163): TTASKTETPI[Val153Met]SKSLSSSLDD